The following is an entry in ClinVar:

ClinVar aggregate classification (germline): Uncertain significance (1 of 4 stars; one submission).

Conditions:
Hereditary cancer-predisposing syndrome. Also called: Neoplastic Syndromes, Hereditary; Tumor predisposition; Hereditary Cancer Syndrome; Hereditary neoplastic syndrome. Identifiers: Orphanet 140162, MedGen C0027672, MeSH D009386, MONDO:0015356.

Submission:

Ambry Genetics
Classification: Uncertain significance for Hereditary cancer-predisposing syndrome. Last evaluated: 2024-06-05. Review status: criteria provided, single submitter. Criteria: Ambry Variant Classification Scheme 2023. Collection method: clinical testing. Allele origin: germline.
Comment: The p.S2162T variant (also known as c.6485G>C), located in coding exon 44 of the ATM gene, results from a G to C substitution at nucleotide position 6485. The serine at codon 2162 is replaced by threonine, an amino acid with similar properties. This amino acid position is conserved. In addition, the in silico prediction for this alteration is inconclusive. Based on the available evidence, the clinical significance of this variant remains unclear.

NM_000051.4(ATM):c.6485G>C (p.Ser2162Thr)

Genes: ATM (ATM serine/threonine kinase; plus strand), C11orf65 (chromosome 11 open reading frame 65; minus strand). Cytogenetic location: 11q22.3.
Variant type: single nucleotide variant.
Coding change: c.6485G>C on transcript NM_000051.4 (MANE Select); coding-DNA position 6485, G replaced by C.
Protein change: p.Ser2162Thr; replaces serine 2162 with threonine.
Molecular consequence: missense variant. On other transcripts: intron variant (2).
Genome position (GRCh38, 1-based): chr11:108,321,333, G>C. VCF-style: chr11-108321333-G-C. GRCh37 (hg19) VCF-style: chr11-108192060-G-C.
Other names: c.6485G>C, p.Ser2162Thr (NM_001351834.2); c.641-12262C>G (NM_001330368.2); c.*39-12262C>G (NM_001351110.2); short protein forms S2162T.
Identifiers: ClinVar variation 3326558 (VCV003326558.1).
Genomic context (GRCh38, chr11:108,321,333, plus strand): 5'-CAGAGTGTCTTTTCTTTTTTGCTACTAGAGTAAAAGAAGTGGAAGAGATGTGTAAGCGCA[G>C]CCTTGAGTCTGTGTATTCGCTCTATCCCACACTTAGCAGGTTGCAGGCCATTGGAGAGCT-3'
Protein context (NP_000042.3, residues 2152-2172): VKEVEEMCKR[Ser2162Thr]LESVYSLYPT